The following is an entry in ClinVar:

NM_014844.5(TECPR2):c.2829G>A (p.Arg943=)

Gene: TECPR2 (tectonin beta-propeller repeat containing 2; plus strand). Cytogenetic location: 14q32.31.
Variant type: single nucleotide variant.
Coding change: c.2829G>A on transcript NM_014844.5 (MANE Select); coding-DNA position 2829, G replaced by A.
Protein change: p.Arg943=; no amino-acid change (arginine 943 retained).
Molecular consequence: synonymous variant.
Genome position (GRCh38, 1-based): chr14:102,443,723, G>A. VCF-style: chr14-102443723-G-A. GRCh37 (hg19) VCF-style: chr14-102910060-G-A.
Other names: c.2829G>A, p.Arg943= (NM_001172631.3).
Identifiers: ClinVar variation 1140233 (VCV001140233.29), dbSNP rs149657602, ClinGen allele CA7358058.

ClinVar aggregate classification (germline): Likely benign. Review status: criteria provided, multiple submitters, no conflicts (2 of 4 stars). 2 submissions from 2 submitters: Likely benign (2). Last evaluated 2024-04-01.

Conditions:
Hereditary spastic paraplegia 49 (HSAN9). Also called: NEUROPATHY, HEREDITARY SENSORY AND AUTONOMIC, TYPE IX, WITH DEVELOPMENTAL DELAY; TECPR2-Related Hereditary Sensory and Autonomic Neuropathy with Intellectual Disability; Spastic paraplegia 49, autosomal recessive. Identifiers: Orphanet 320385, MedGen C5190860, MONDO:0014016, OMIM 615031.

Allele frequency attached by ClinVar (database versions not stated): TOPMed 0.00005; ESP Exome Variant Server 0.00015.
gnomAD v4.1: 79 of 1,613,158 alleles (0.0049%); highest among the groups gnomAD compares: Non-Finnish European, 0.0063%; no homozygotes.

Submissions (2):

CeGaT Center for Human Genetics Tuebingen
Classification: Likely benign. Last evaluated: 2024-04-01. Review status: criteria provided, single submitter. Criteria: CeGaT Center For Human Genetics Tuebingen Variant Classification Criteria Version 2. Collection method: clinical testing. Allele origin: germline. Affected: yes. Observed: 1 variant allele.
Comment: TECPR2: BP4, BP7

Labcorp Genetics (formerly Invitae), Labcorp
Classification: Likely benign for Hereditary spastic paraplegia 49. Last evaluated: 2024-03-21. Review status: criteria provided, single submitter. Criteria: Invitae Variant Classification Sherloc (09022015). Collection method: clinical testing. Allele origin: germline.